The following is an entry in ClinVar:

ClinVar aggregate classification (germline): Conflicting classifications of pathogenicity. Review status: criteria provided, conflicting classifications (1 of 4 stars). 2 submissions from 2 submitters: Pathogenic (1); Uncertain significance (1). Last evaluated 2025-09-02.

Conditions:
Retinal dystrophy. Also called: Inherited retinal dystrophy. Identifiers: Orphanet 71862, MedGen C0854723, MeSH D058499, MONDO:0019118, HP:0000556.

Submissions (2):

Labcorp Genetics (formerly Invitae), Labcorp
Classification: Pathogenic. Last evaluated: 2025-09-02. Review status: criteria provided, single submitter. Criteria: Invitae Variant Classification Sherloc (09022015). Collection method: clinical testing. Allele origin: germline.
Comment: This sequence change replaces cysteine, which is neutral and slightly polar, with arginine, which is basic and polar, at codon 86 of the RP2 protein (p.Cys86Arg). This variant is not present in population databases (gnomAD no frequency). This missense change has been observed in individuals with clinical features of RP2-related conditions (PMID: 36423731; internal data). ClinVar contains an entry for this variant (Variation ID: 2027760). Invitae Evidence Modeling of protein sequence and biophysical properties (such as structural, functional, and spatial information, amino acid conservation, physicochemical variation, residue mobility, and thermodynamic stability) indicates that this missense variant is expected to disrupt RP2 protein function with a positive predictive value of 95%. This variant disrupts the p.Cys86 amino acid residue in RP2. Other variant(s) that disrupt this residue have been determined to be pathogenic (PMID: 10937588, 21738648, 25412400, 28209709). This suggests that this residue is clinically significant, and that variants that disrupt this residue are likely to be disease-causing. For these reasons, this variant has been classified as Pathogenic.

Dept Of Ophthalmology, Nagoya University
Classification: Uncertain significance for Retinal dystrophy. Last evaluated: 2023-10-01. Review status: criteria provided, single submitter. Criteria: Submitter's publication. Collection method: research. Allele origin: germline. Affected: yes.

Literature cited by the submitters: PubMed 36423731 (cited by Labcorp Genetics (formerly Invitae), Labcorp); PubMed 10937588 (cited by Labcorp Genetics (formerly Invitae), Labcorp); PubMed 21738648 (cited by Labcorp Genetics (formerly Invitae), Labcorp); PubMed 25412400 (cited by Labcorp Genetics (formerly Invitae), Labcorp); PubMed 28209709 (cited by Labcorp Genetics (formerly Invitae), Labcorp).

NM_006915.3(RP2):c.256T>C (p.Cys86Arg)

Gene: RP2 (RP2 activator of ARL3 GTPase; plus strand). Cytogenetic location: Xp11.3.
Variant type: single nucleotide variant.
Coding change: c.256T>C on transcript NM_006915.3 (MANE Select); coding-DNA position 256, T replaced by C.
Protein change: p.Cys86Arg; replaces cysteine 86 with arginine.
Molecular consequence: missense variant.
Genome position (GRCh38, 1-based): chrX:46,853,629, T>C. VCF-style: chrX-46853629-T-C. GRCh37 (hg19) VCF-style: chrX-46713064-T-C.
Other names: short protein forms C86R.
Identifiers: ClinVar variation 2027760 (VCV002027760.5), dbSNP rs2519914044, ClinGen allele CA413039131.
Genomic context (GRCh38, chrX:46,853,629, plus strand): 5'-GACTGTGAGAACTGTAACATCTATATTTTTGATCACTCTGCTACAGTTACCATTGATGAC[T>C]GTACTAACTGCATAATTTTTCTGGGACCCGTGAAAGGCAGCGTGTTTTTCCGGAATTGCA-3'
Protein context (NP_008846.2, residues 76-96): DHSATVTIDD[Cys86Arg]TNCIIFLGPV